The following is an entry in ClinVar:

ClinVar aggregate classification (germline): Uncertain significance (1 of 4 stars; one submission).

Submission:

Ambry Genetics
Classification: Uncertain significance. Last evaluated: 2025-06-28. Review status: criteria provided, single submitter. Criteria: Ambry Variant Classification Scheme 2023. Collection method: clinical testing. Allele origin: germline.
Comment: The p.P43S variant (also known as c.127C>T), located in coding exon 2 of the KIF1B gene, results from a C to T substitution at nucleotide position 127. The proline at codon 43 is replaced by serine, an amino acid with similar properties. This amino acid position is conserved. In addition, the in silico prediction for this alteration is inconclusive. Based on the available evidence, the clinical significance of this variant remains unclear.

NM_001365951.3(KIF1B):c.127C>T (p.Pro43Ser)

Gene: KIF1B (kinesin family member 1B; plus strand). Cytogenetic location: 1p36.22.
Variant type: single nucleotide variant.
Coding change: c.127C>T on transcript NM_001365951.3 (MANE Select); coding-DNA position 127, C replaced by T.
Protein change: p.Pro43Ser; replaces proline 43 with serine.
Molecular consequence: missense variant.
Genome position (GRCh38, 1-based): chr1:10,256,267, C>T. VCF-style: chr1-10256267-C-T. GRCh37 (hg19) VCF-style: chr1-10316325-C-T.
Other names: c.127C>T, p.Pro43Ser (NM_001365952.1, NM_001365953.1, NM_015074.3 and 1 more transcripts); short protein forms P43S.
Identifiers: ClinVar variation 4092331 (VCV004092331.1).